The following is an entry in ClinVar:

ClinVar aggregate classification (germline): Uncertain significance (1 of 4 stars; one submission).

Conditions:
Cardiac arrhythmia. Also called: Cardiac rhythm disease; Arrhythmia. Identifiers: MedGen C0003811, MONDO:0007263, HP:0011675.

gnomAD v4.1: 2 of 1,614,050 alleles (0.00012%); no homozygotes.

Submission:

Labcorp Genetics (formerly Invitae), Labcorp
Classification: Uncertain significance for Cardiac arrhythmia. Last evaluated: 2024-08-31. Review status: criteria provided, single submitter. Criteria: Invitae Variant Classification Sherloc (09022015). Collection method: clinical testing. Allele origin: germline.
Comment: This sequence change creates a premature translational stop signal (p.Gln133*) in the RANGRF gene. While this is not anticipated to result in nonsense mediated decay, it is expected to disrupt the last 54 amino acid(s) of the RANGRF protein. This variant is not present in population databases (gnomAD no frequency). This variant has not been reported in the literature in individuals affected with RANGRF-related conditions. Experimental studies and prediction algorithms are not available or were not evaluated, and the functional significance of this variant is currently unknown. Algorithms developed to predict the effect of sequence changes on RNA splicing suggest that this variant may disrupt the consensus splice site. In summary, the available evidence is currently insufficient to determine the role of this variant in disease. Therefore, it has been classified as a Variant of Uncertain Significance.

NM_016492.5(RANGRF):c.397C>T (p.Gln133Ter)

Genes: RANGRF (RAN guanine nucleotide release factor; plus strand), SLC25A35 (solute carrier family 25 member 35; minus strand). Cytogenetic location: 17p13.1.
Variant type: single nucleotide variant.
Coding change: c.397C>T on transcript NM_016492.5 (MANE Select); coding-DNA position 397, C replaced by T.
Protein change: p.Gln133Ter; replaces glutamine 133 with a stop codon.
Molecular consequence: nonsense. On other transcripts: 3 prime UTR variant (1), non-coding transcript variant (1), intron variant (3), missense variant (1).
Genome position (GRCh38, 1-based): chr17:8,289,548, C>T. VCF-style: chr17-8289548-C-T. GRCh37 (hg19) VCF-style: chr17-8192866-C-T.
Other names: c.*68G>A (NM_201520.3); c.*42+26G>A (NM_001320871.2, NM_001320872.2); c.351+134C>T (NM_001330127.2); c.397C>T, p.Gln133Ter (NM_001177801.2); c.485C>T, p.Pro162Leu (NM_001177802.2); short protein forms P162L, Q133*.
Identifiers: ClinVar variation 3643775 (VCV003643775.2).
Genomic context (GRCh38, chr17:8,289,548, plus strand): 5'-CTCTGATCCCCTTAGGTAGCAAAGGACGTGACACTTCATCAGGCCTTGCTGAGGCTGCCC[C>T]AGTACCAGACTGATCTCTTGCTTACCTTCAATCAGCCCCCGTAAGGAGGAAGGAACGGGC-3'